The following is an entry in ClinVar:

NM_000303.3(PMM2):c.357C>A (p.Phe119Leu)

Gene: PMM2 (phosphomannomutase 2; plus strand). Cytogenetic location: 16p13.2.
Variant type: single nucleotide variant.
Coding change: c.357C>A on transcript NM_000303.3 (MANE Select); coding-DNA position 357, C replaced by A.
Protein change: p.Phe119Leu; replaces phenylalanine 119 with leucine.
Molecular consequence: missense variant.
Genome position (GRCh38, 1-based): chr16:8,811,088, C>A. VCF-style: chr16-8811088-C-A. GRCh37 (hg19) VCF-style: chr16-8904945-C-A.
Other names: 357C-A; short protein forms F119L.
Identifiers: ClinVar variation 7711 (VCV000007711.81), dbSNP rs80338701, ClinGen allele CA220620.

ClinVar aggregate classification (germline): Pathogenic. Review status: criteria provided, multiple submitters, no conflicts (2 of 4 stars). 26 submissions from 26 submitters: Pathogenic (20). 6 of the submissions do not count toward it. Last evaluated 2026-07-01.

Conditions:
PMM2-related disorder. Also called: PMM2-related condition.
Inborn genetic diseases. Identifiers: MedGen C0950123, MeSH D030342.
PMM2-congenital disorder of glycosylation. Also called: JAEKEN SYNDROME; CDG Ia; Congenital disorder of glycosylation, type Ia; PHOSPHOMANNOMUTASE 2 DEFICIENCY; CARBOHYDRATE-DEFICIENT GLYCOPROTEIN SYNDROME, TYPE Ia; PMM2-CDG. Identifiers: Orphanet 79318, MedGen C0349653, MONDO:0008907, OMIM 212065.

Allele frequency attached by ClinVar (database versions not stated): ExAC 0.00011; TOPMed 0.00002; gnomAD 0.00003.
gnomAD v4.1: 55 of 1,561,744 alleles (0.0035%); highest among the groups gnomAD compares: Non-Finnish European, 0.0046%; no homozygotes.

Submissions 1 to 14 of 26:

CeGaT Center for Human Genetics Tuebingen
Classification: Pathogenic. Last evaluated: 2026-07-01. Review status: criteria provided, single submitter. Criteria: CeGaT Center For Human Genetics Tuebingen Variant Classification Criteria Version 2. Collection method: clinical testing. Allele origin: germline. Affected: yes. Observed: 4 variant alleles.
Comment: PMM2: PM3:Very Strong, PM2, PP3, PS3:Supporting

Natera, Inc.
Classification: Pathogenic for Congenital disorder of glycosylation type 1a. Last evaluated: 2025-09-15. Review status: criteria provided, single submitter. Criteria: Natera Variant Classification Schema (03/2026). Collection method: clinical testing. Allele origin: germline.
Comment: The c.357C>A variant in PMM2 is a missense variant predicted to cause substitution of phenylalanine to leucine at amino acid 119. This variant is rare in the general population with a frequency below the threshold expected for the associated phenotype(s). This variant has been observed in one or more individuals affected with the associated recessive disease, as either homozygous or compound heterozygous with a second variant (PMID: 11058896, 33643843, 10602363). Computational prediction algorithms indicate this variant is likely to affect gene or protein function. Given the available evidence, this variant is classified as Pathogenic.

Labcorp Genetics (formerly Invitae), Labcorp
Classification: Pathogenic for PMM2-congenital disorder of glycosylation. Last evaluated: 2025-08-18. Review status: criteria provided, single submitter. Criteria: Invitae Variant Classification Sherloc (09022015). Collection method: clinical testing. Allele origin: germline.
Comment: This sequence change replaces phenylalanine, which is neutral and non-polar, with leucine, which is neutral and non-polar, at codon 119 of the PMM2 protein (p.Phe119Leu). The frequency data for this variant in the population databases is considered unreliable, as metrics indicate poor data quality at this position in the gnomAD database. This missense change has been observed in individuals with PMM2-CDG (CDG-Ia) (PMID: 9140401, 9781039, 10801058, 11517108, 15645285). ClinVar contains an entry for this variant (Variation ID: 7711). Invitae Evidence Modeling of protein sequence and biophysical properties (such as structural, functional, and spatial information, amino acid conservation, physicochemical variation, residue mobility, and thermodynamic stability) indicates that this missense variant is expected to disrupt PMM2 protein function with a positive predictive value of 80%. Experimental studies have shown that this missense change affects PMM2 function (PMID: 24498599, 26488408, 27053713). For these reasons, this variant has been classified as Pathogenic.

Dasa
Classification: Pathogenic. Last evaluated: 2024-12-10. Review status: criteria provided, single submitter. Criteria: DASA Assertion Criteria. Collection method: clinical testing. Allele origin: germline.
Comment: NM_000303.3(PMM2):c.357C>A (p.Phe119Leu) is a missense variant that results in the substitution of phenylalanine with leucine. This variant has been observed in affected individuals with related phenotype in a genotype context consistent with recessive disease (PMID: 15645285; PMID: 11517108; PMID: 10801058; PMID: 27053713; PMID: 26488408). Functional evidence supports a deleterious effect on the gene or gene product (PMID: 15645285; PMID: 11517108; PMID: 10801058; PMID: 27053713; PMID: 26488408). This variant has been recurrently observed in individuals with related phenotype (PMID: 15645285; PMID: 11517108; PMID: 10801058; PMID: 27053713; PMID: 26488408). Multiple computational predictions support a deleterious effect on the gene or gene product. The variant is present at low frequency in population datasets. Based on the available data, this variant is classified as pathogenic.

PreventionGenetics, part of Exact Sciences
Classification: Pathogenic for PMM2-related condition. Last evaluated: 2024-11-12. Review status: criteria provided, single submitter. Criteria: ACMG Guidelines, 2015. Collection method: clinical testing. Allele origin: germline.
Comment: The PMM2 c.357C>A variant is predicted to result in the amino acid substitution p.Phe119Leu. This variant has been reported in the compound heterozygous or homozygous states in many individuals with congenital disorder of glycosylation 1a (see, for example, Matthijs et al. 1997. PubMed ID: 9140401; Kjaergaard et al. 2001. PubMed ID: 11517108; Starosta et al. 2021. PubMed ID: 33413482). Experimental studies indicate this variant decreases PMM2 activity and stability (Andreotti et al. 2013. PubMed ID: 24498599; Chan et al. 2016. PubMed ID: 27053713; Segovia-Falquina et al. 2022. PubMed ID: 35789514). This variant is reported in 0.010% of alleles in individuals of European (non-Finnish) descent in gnomAD and interpreted as pathogenic in ClinVar by multiple independent submitters. This variant is interpreted as pathogenic.

Blueprint Genetics
Classification: Pathogenic for PMM2-related disorders. Last evaluated: 2024-06-27. Review status: criteria provided, single submitter. Criteria: ACMG Guidelines, 2015. Collection method: clinical testing. Allele origin: germline. Affected: yes. Observed: 5 variant alleles.

Fulgent Genetics
Classification: Pathogenic for PMM2-congenital disorder of glycosylation. Last evaluated: 2024-02-27. Review status: criteria provided, single submitter. Criteria: ACMG Guidelines, 2015. Collection method: clinical testing. Allele origin: germline.

Clinical Genetics Laboratory, Skane University Hospital Lund
Classification: Pathogenic. Last evaluated: 2023-12-18. Review status: criteria provided, single submitter. Criteria: ACMG Guidelines, 2015. Collection method: clinical testing. Allele origin: germline. Affected: yes.

GeneDx
Classification: Pathogenic. Last evaluated: 2022-06-06. Review status: criteria provided, single submitter. Criteria: GeneDx Variant Classification Process June 2021. Collection method: clinical testing. Allele origin: germline. Affected: yes.
Comment: Functional studies demonstrate a damaging effect with disruption of dimerization and significantly reduced enzyme activity (Andreotti et al., 2013); Not observed at a significant frequency in large population cohorts (gnomAD); In silico analysis, which includes protein predictors and evolutionary conservation, supports a deleterious effect; This variant is associated with the following publications: (PMID: 22975760, 26488408, 27053713, 15645285, 30061496, 9781039, 9497260, 12705494, 11409861, 10854097, 15844218, 28373276, 27535533, 9140401, 11517108, 32304219, 32064623, 33643843, 32685345, 33726816, 33413482, 24498599)

Institute of Medical Genetics and Applied Genomics, University Hospital Tübingen
Classification: Pathogenic. Last evaluated: 2020-10-23. Review status: criteria provided, single submitter. Criteria: ACMG Guidelines, 2015. Collection method: clinical testing. Allele origin: germline. Inheritance: Unknown mechanism. Affected: yes.

Centre for Inherited Metabolic Diseases, Karolinska University Hospital
Classification: Pathogenic for PMM2-congenital disorder of glycosylation. Last evaluated: 2020-04-02. Review status: criteria provided, single submitter. Criteria: ACMG Guidelines, 2015. Collection method: clinical testing. Allele origin: germline. Inheritance: Autosomal recessive inheritance. Affected: yes. Observed: 1 compound heterozygote.

CENTOGENE GmbH and LLC - Guiding Precision Medicine
Classification: Pathogenic for PMM2-congenital disorder of glycosylation. Last evaluated: 2020-02-07. Review status: criteria provided, single submitter. Criteria: ACMG Guidelines, 2015. Collection method: clinical testing. Allele origin: germline. Affected: yes.

Myriad Genetics, Inc.
Classification: Pathogenic for PMM2-congenital disorder of glycosylation. Last evaluated: 2019-12-11. Review status: criteria provided, single submitter. Criteria: Myriad Women's Health Autosomal Recessive and X-Linked Classification Criteria (2019). Collection method: clinical testing. Allele origin: unknown.
Comment: NM_000303.2(PMM2):c.357C>A(F119L) is classified as pathogenic in the context of congenital disorder of glycosylation type Ia. Sources cited for classification include the following: PMID 24498599, 9781039 and 9140401. Classification of NM_000303.2(PMM2):c.357C>A(F119L) is based on the following criteria: This is a well-established pathogenic variant in the literature that has been observed more frequently in patients with clinical diagnoses than in healthy populations. Please note: this variant was assessed in the context of healthy population screening.

Women's Health and Genetics/Laboratory Corporation of America, LabCorp
Classification: Pathogenic for Carbohydrate-deficient glycoprotein syndrome type I. Last evaluated: 2018-05-11. Review status: criteria provided, single submitter. Criteria: LabCorp Variant Classification Summary - May 2015. Collection method: clinical testing. Allele origin: germline.
Comment: Variant summary: PMM2 c.357C>A (p.Phe119Leu) results in a non-conservative amino acid change in the encoded protein sequence. Five of five in-silico tools predict a damaging effect of the variant on protein function. The variant allele was found at a frequency of 3.2e-05 in 30952 control chromosomes (gnomAD). The variant, c.357C>A, has been reported in the literature in multiple individuals affected with Congenital Disorder of Glycosylation Type 1a (Kjaergaard_1998). These data indicate that the variant is very likely to be associated with disease. At least one publication reports experimental evidence evaluating an impact on protein function. The most pronounced variant effect results in 10%-<30% of normal activity. Multiple ClinVar submissions from clinical diagnostic laboratories (evaluation after 2014) cites the variant as pathogenic. Based on the evidence outlined above, the variant was classified as pathogenic.